The following is an entry in ClinVar:

NM_002055.5(GFAP):c.1112A>T (p.Glu371Val)

Genes: GFAP (glial fibrillary acidic protein; minus strand), LOC130060994 (ATAC-STARR-seq lymphoblastoid active region 12266; plus strand). Cytogenetic location: 17q21.31.
Variant type: single nucleotide variant.
Coding change: c.1112A>T on transcript NM_002055.5 (MANE Select); coding-DNA position 1112, A replaced by T.
Protein change: p.Glu371Val; replaces glutamic acid 371 with valine.
Molecular consequence: missense variant.
Genome position (GRCh38, 1-based): chr17:44,911,251, T>A on the plus strand (A>T on the coding strand, the complement: GFAP is on the minus strand). VCF-style: chr17-44911251-T-A. GRCh37 (hg19) VCF-style: chr17-42988619-T-A.
Other names: NM_002055.5(GFAP):c.1112A>T; c.1112A>T, p.Glu371Val (NM_001131019.3, NM_001242376.3, NM_001363846.2); short protein forms E371V.
Identifiers: ClinVar variation 66438 (VCV000066438.4), dbSNP rs57815192, ClinGen allele CA217117.

ClinVar aggregate classification (germline): Likely pathogenic. Review status: reviewed by expert panel (3 of 4 stars). 3 submissions from 3 submitters: Likely pathogenic (1). 2 of the submissions do not count toward it. Last evaluated 2026-10-23.

Conditions:
Alexander disease (ALXDRD). Also called: Alexander's disease. Identifiers: Orphanet 58, MedGen C0270726, MONDO:0008752, OMIM 203450.

Submissions (3):

ClinGen Leukodystrophy and Leukoencephalopathy Variant Curation Expert Panel, ClinGen
Classification: Likely pathogenic for Alexander disease. Last evaluated: 2026-10-23. Review status: reviewed by expert panel. Criteria: ClinGen Leuko ACMG Specifications GFAP V1.0. Collection method: curation. Allele origin: germline. Inheritance: Autosomal dominant inheritance.
Comment: The c.1112A>T variant in GFAP is a missense variant predicted to cause substitution of glutamic acid by valine at amino acid 371 (p.Glu371Val).This variant has been reported as a de novo occurrence with unconfirmed parental relationships in one proband meeting probable diagnosis of Alexander Disease per ClinGen Leukodystrophy and Leukoencephalopathy Expert Panel Specifications to the ACMG/AMP Variant Interpretation Guidelines for GFAP Version 1.0.0 (PS4_Supporting, PM6; PMID 21917775). One missense variant, c.1111G>A, p.Glu371Lys (ClinVar Variation ID 1199219), in the same codon has been classified as pathogenic/likely pathogenic for Alexander disease by the ClinGen Leukodystrophy and Leukoencephalopathy VCEP. This variant is absent from gnomAD v4.1.0 (PM2_Supporting). In summary, this variant meets the criteria to be classified as a likely pathogenic variant for Alexander disease based on the ACMG/AMP criteria applied, as specified by the ClinGen Leukodystrophy and Leukoencephalopathy Expert Panel Specifications to the ACMG/AMP Variant Interpretation Guidelines for GFAP Version 1.0.0): PS4_supporting, PM6, PM5, PM2_supporting.

Epithelial Biology;  Institute of Medical Biology, Singapore
No classification provided. Review status: no classification provided. Collection method: not provided. Allele origin: not provided. Not counted in ClinVar's aggregate classification.

GeneReviews
No classification provided. Condition: Alexander disease. Review status: no classification provided. Collection method: literature only. Allele origin: germline. Affected: yes. Not counted in ClinVar's aggregate classification.

Literature cited by the submitters: PubMed 21917775 (cited by GeneReviews); NCBI Bookshelf NBK1172 (cited by GeneReviews).